The following is an entry in ClinVar:

NM_001001331.4(ATP2B2):c.2816C>T (p.Pro939Leu)

Gene: ATP2B2 (ATPase plasma membrane Ca2+ transporting 2; minus strand). Cytogenetic location: 3p25.3.
Variant type: single nucleotide variant.
Coding change: c.2816C>T on transcript NM_001001331.4 (MANE Select); coding-DNA position 2816, C replaced by T.
Protein change: p.Pro939Leu; replaces proline 939 with leucine.
Molecular consequence: missense variant.
Genome position (GRCh38, 1-based): chr3:10,342,853, G>A on the plus strand (C>T on the coding strand, the complement: ATP2B2 is on the minus strand). VCF-style: chr3-10342853-G-A. GRCh37 (hg19) VCF-style: chr3-10384537-G-A.
Other names: c.2681C>T, p.Pro894Leu (NM_001330611.3, NM_001353564.1, NM_001363862.1 and 1 more transcripts); short protein forms P894L, P939L.
Identifiers: ClinVar variation 1695544 (VCV001695544.2), dbSNP rs1559534482, ClinGen allele CA351777345.

ClinVar aggregate classification (germline): Uncertain significance (1 of 4 stars; one submission).

Allele frequency attached by ClinVar (database versions not stated): gnomAD exomes below 0.00001; gnomAD 0.00001.
gnomAD v4.1: 4 of 1,613,982 alleles (0.00025%); highest among the groups gnomAD compares: Non-Finnish European, 0.00025%; no homozygotes.

Submission:

GeneDx
Classification: Uncertain significance. Last evaluated: 2022-01-10. Review status: criteria provided, single submitter. Criteria: GeneDx Variant Classification Process June 2021. Collection method: clinical testing. Allele origin: germline. Affected: yes.
Comment: In silico analysis supports that this missense variant has a deleterious effect on protein structure/function; Has not been previously published as pathogenic or benign to our knowledge; This variant is associated with the following publications: (PMID: 33994118)